The following is an entry in ClinVar:

NM_020754.4(ARHGAP31):c.676A>G (p.Asn226Asp)

Gene: ARHGAP31 (Rho GTPase activating protein 31; plus strand). Cytogenetic location: 3q13.33.
Variant type: single nucleotide variant.
Coding change: c.676A>G on transcript NM_020754.4 (MANE Select); coding-DNA position 676, A replaced by G.
Protein change: p.Asn226Asp; replaces asparagine 226 with aspartic acid.
Molecular consequence: missense variant.
Genome position (GRCh38, 1-based): chr3:119,383,220, A>G. VCF-style: chr3-119383220-A-G. GRCh37 (hg19) VCF-style: chr3-119102067-A-G.
Other names: short protein forms N226D.
Identifiers: ClinVar variation 2716595 (VCV002716595.3), dbSNP rs202118332, ClinGen allele CA2553660.

ClinVar aggregate classification (germline): Uncertain significance (1 of 4 stars; one submission).

Allele frequency attached by ClinVar (database versions not stated): ExAC 0.00004; gnomAD 0.00004; ESP Exome Variant Server 0.00016.
gnomAD v4.1: 62 of 1,613,982 alleles (0.0038%); highest among the groups gnomAD compares: Non-Finnish European, 0.005%; no homozygotes.

Submission:

Labcorp Genetics (formerly Invitae), Labcorp
Classification: Uncertain significance. Last evaluated: 2024-08-19. Review status: criteria provided, single submitter. Criteria: Invitae Variant Classification Sherloc (09022015). Collection method: clinical testing. Allele origin: germline.
Comment: This sequence change replaces asparagine, which is neutral and polar, with aspartic acid, which is acidic and polar, at codon 226 of the ARHGAP31 protein (p.Asn226Asp). This variant is present in population databases (rs202118332, gnomAD 0.01%). This variant has not been reported in the literature in individuals affected with ARHGAP31-related conditions. An algorithm developed to predict the effect of missense changes on protein structure and function (PolyPhen-2) suggests that this variant is likely to be tolerated. In summary, the available evidence is currently insufficient to determine the role of this variant in disease. Therefore, it has been classified as a Variant of Uncertain Significance.